The following is an entry in ClinVar:

NM_005257.6(GATA6):c.182G>A (p.Gly61Glu)

Gene: GATA6 (GATA binding protein 6; plus strand). Cytogenetic location: 18q11.2.
Variant type: single nucleotide variant.
Coding change: c.182G>A on transcript NM_005257.6 (MANE Select); coding-DNA position 182, G replaced by A.
Protein change: p.Gly61Glu; replaces glycine 61 with glutamic acid.
Molecular consequence: missense variant.
Genome position (GRCh38, 1-based): chr18:22,171,326, G>A. VCF-style: chr18-22171326-G-A. GRCh37 (hg19) VCF-style: chr18-19751287-G-A.
Other names: short protein forms G61E.
Identifiers: ClinVar variation 3712301 (VCV003712301.2).
Genomic context (GRCh38, chr18:22,171,326, plus strand): 5'-CCTCGTCCTCCTCCTGCTCCCGGGGCGGAGAGCGGGGCCCCGGCGGCGCCAGCAACTGCG[G>A]GACGCCTCAGCTCGACACGGAGGCGGCGGCCGGACCCCCGGCCCGCTCGCTGCTGCTCAG-3'
Protein context (NP_005248.2, residues 51-71): ERGPGGASNC[Gly61Glu]TPQLDTEAAA

ClinVar aggregate classification (germline): Uncertain significance (1 of 4 stars; one submission).

Conditions:
Atrioventricular septal defect 5 (AVSD5). Identifiers: MedGen C3280939, MONDO:0013769, OMIM 614474.

gnomAD v4.1: 1 of 1,587,948 alleles (0.000063%); highest among the groups gnomAD compares: South Asian, 0.0011%; no homozygotes.

Submission:

Labcorp Genetics (formerly Invitae), Labcorp
Classification: Uncertain significance for Atrioventricular septal defect 5. Last evaluated: 2025-01-16. Review status: criteria provided, single submitter. Criteria: Invitae Variant Classification Sherloc (09022015). Collection method: clinical testing. Allele origin: germline.
Comment: This sequence change replaces glycine, which is neutral and non-polar, with glutamic acid, which is acidic and polar, at codon 61 of the GATA6 protein (p.Gly61Glu). The frequency data for this variant in the population databases is considered unreliable, as metrics indicate poor data quality at this position in the gnomAD database. This variant has not been reported in the literature in individuals affected with GATA6-related conditions. An algorithm developed to predict the effect of missense changes on protein structure and function (PolyPhen-2) suggests that this variant is likely to be tolerated. In summary, the available evidence is currently insufficient to determine the role of this variant in disease. Therefore, it has been classified as a Variant of Uncertain Significance.